The following is an entry in ClinVar:

ClinVar aggregate classification (germline): Uncertain significance (1 of 4 stars; one submission).

Conditions:
Fanconi anemia (FA). Also called: Fanconi's anemia. Identifiers: Orphanet 84, MedGen C0015625, MeSH D005199, MONDO:0019391.

Allele frequency attached by ClinVar (database versions not stated): gnomAD 0.00001.
gnomAD v4.1: 3 of 1,595,122 alleles (0.00019%); highest among the groups gnomAD compares: African/African-American, 0.0027%; no homozygotes.

Submission:

Labcorp Genetics (formerly Invitae), Labcorp
Classification: Uncertain significance for Fanconi anemia. Last evaluated: 2024-01-28. Review status: criteria provided, single submitter. Criteria: Invitae Variant Classification Sherloc (09022015). Collection method: clinical testing. Allele origin: germline.
Comment: This sequence change falls in intron 9 of the FANCM gene. It does not directly change the encoded amino acid sequence of the FANCM protein. This variant is present in population databases (no rsID available, gnomAD 0.01%). This variant has not been reported in the literature in individuals affected with FANCM-related conditions. Algorithms developed to predict the effect of sequence changes on RNA splicing suggest that this variant may create or strengthen a splice site. In summary, the available evidence is currently insufficient to determine the role of this variant in disease. Therefore, it has been classified as a Variant of Uncertain Significance.

NM_020937.4(FANCM):c.1582-16A>G

Gene: FANCM (FA complementation group M; plus strand). Cytogenetic location: 14q21.2.
Variant type: single nucleotide variant.
Coding change: c.1582-16A>G on transcript NM_020937.4 (MANE Select); 16 bases into the intron before coding-DNA position 1582, A replaced by G.
Molecular consequence: intron variant.
Genome position (GRCh38, 1-based): chr14:45,164,343, A>G. VCF-style: chr14-45164343-A-G. GRCh37 (hg19) VCF-style: chr14-45633546-A-G.
Other names: c.1504-16A>G (NM_001308133.2); c.1582-16A>G (NM_001308134.2).
Identifiers: ClinVar variation 2737713 (VCV002737713.3), dbSNP rs201905147, ClinGen allele CA259623266.
Genomic context (GRCh38, chr14:45,164,343, plus strand): 5'-AGTGGGGAAAAATATGCTTTGATCTACAGTTCTCTTACATTTGCATGTAGTTATTTTTCA[A>G]TTGTTTTTATTTTAGGTAGTGAAACAGTTTCGTGACGGTGGTTACAACACGCTGGTTTCT-3'